The following is an entry in ClinVar:

NM_003482.4(KMT2D):c.14700del (p.Leu4901fs)

Gene: KMT2D (lysine methyltransferase 2D; minus strand). Cytogenetic location: 12q13.12.
Variant type: Deletion.
Coding change: c.14700del on transcript NM_003482.4 (MANE Select); coding-DNA position 14700, one base deleted (T; older notation c.14700delT).
Protein change: p.Leu4901fs; shifts the reading frame from leucine 4901.
Molecular consequence: frameshift variant.
Genome position (GRCh38, 1-based): chr12:49,027,266, A deleted on the plus strand (T on the coding strand, the reverse complement: KMT2D is on the minus strand). VCF-style (leftmost placement, unchanged base first): chr12-49027265-GA-G. GRCh37 (hg19) VCF-style: chr12-49421048-GA-G.
Other names: c.14700delT (NM_003482.3); short protein forms L4901fs.
Identifiers: ClinVar variation 531885 (VCV000531885.6), dbSNP rs1555186066, ClinGen allele CA658797905.
Genomic context (GRCh38, chr12:49,027,265, plus strand): 5'-AGGGGGAAGGGGGCGGGGAGGGTTCTTCAGGAGGTGGGGCCGAGAGCTGTCGCACATCCA[GA>G]TTGGAGACATTGTAGGTATAGCTGTGCTGAGTGGGTGGCTCTGGGGCGGGGCTCTCCTGT-3'

ClinVar aggregate classification (germline): Pathogenic (1 of 4 stars; one submission).

Conditions:
Kabuki syndrome. Also called: Kabuki make-up syndrome; NIIKAWA-KUROKI SYNDROME. Identifiers: Orphanet 2322, MedGen C0796004, MONDO:0016512.

Submission:

Labcorp Genetics (formerly Invitae), Labcorp
Classification: Pathogenic for Kabuki syndrome. Last evaluated: 2017-10-10. Review status: criteria provided, single submitter. Criteria: Invitae Variant Classification Sherloc (09022015). Collection method: clinical testing. Allele origin: germline.
Comment: This sequence change creates a premature translational stop signal (p.Leu4901Trpfs*94) in the KMT2D gene. It is expected to result in an absent or disrupted protein product. This variant is not present in population databases (ExAC no frequency). This variant has not been reported in the literature in individuals with KMT2D-related disease. Loss-of-function variants in KMT2D are known to be pathogenic (PMID: 22126750). For these reasons, this variant has been classified as Pathogenic.

Literature cited by the submitters: PubMed 22126750.